The following is an entry in ClinVar:

ClinVar aggregate classification (germline): Benign/Likely benign. Review status: criteria provided, multiple submitters, no conflicts (2 of 4 stars). 6 submissions from 6 submitters: Benign (2); Likely benign (3). 1 of the submissions does not count toward it. Last evaluated 2026-09-01.

Conditions:
TRAPPC11-related disorder. Also called: TRAPPC11-related condition.
Autosomal recessive limb-girdle muscular dystrophy type R18 (LGMDR18). Also called: Autosomal recessive limb-girdle muscular dystrophy type 2S; MUSCULAR DYSTROPHY, LIMB-GIRDLE, AUTOSOMAL RECESSIVE 18; Limb-girdle muscular dystrophy, type 2S. Identifiers: Orphanet 369840, MedGen C4517996, MONDO:0014144, OMIM 615356.

Allele frequency attached by ClinVar (database versions not stated): gnomAD exomes 0.00038 and 0.00088; ExAC 0.00101; 1000 Genomes Project 0.00379; gnomAD 0.00415 and 0.00448; 1000 Genomes Project 30x 0.00437; TOPMed 0.00461; ESP Exome Variant Server 0.00477.
gnomAD v4.1: 1,192 of 1,614,036 alleles (0.074%); highest among the groups gnomAD compares: African/African-American, 1.5%; 11 homozygotes.

Submissions (6):

CeGaT Center for Human Genetics Tuebingen
Classification: Likely benign. Last evaluated: 2026-09-01. Review status: criteria provided, single submitter. Criteria: CeGaT Center For Human Genetics Tuebingen Variant Classification Criteria Version 2. Collection method: clinical testing. Allele origin: germline. Affected: yes. Observed: 1 variant allele.
Comment: TRAPPC11: BS1

Labcorp Genetics (formerly Invitae), Labcorp
Classification: Benign for Autosomal recessive limb-girdle muscular dystrophy type R18. Last evaluated: 2026-01-30. Review status: criteria provided, single submitter. Criteria: Invitae Variant Classification Sherloc (09022015). Collection method: clinical testing. Allele origin: germline.

GeneDx
Classification: Likely benign. Last evaluated: 2021-01-07. Review status: criteria provided, single submitter. Criteria: GeneDx Variant Classification Process June 2021. Collection method: clinical testing. Allele origin: germline. Affected: yes.

Mayo Clinic Laboratories, Mayo Clinic
Classification: Benign. Last evaluated: 2018-04-04. Review status: criteria provided, single submitter. Criteria: ACMG Guidelines, 2015. Collection method: clinical testing. Allele origin: germline. Observed: 2 variant alleles.

Athena Diagnostics
Classification: Likely benign. Last evaluated: 2016-12-28. Review status: criteria provided, single submitter. Criteria: Athena Diagnostics Criteria. Collection method: clinical testing. Allele origin: germline.

PreventionGenetics, part of Exact Sciences
Classification: Benign for TRAPPC11-related condition. Last evaluated: 2022-06-23. Review status: no assertion criteria provided. Collection method: clinical testing. Allele origin: germline. Not counted in ClinVar's aggregate classification.
Comment: This variant is classified as benign based on ACMG/AMP sequence variant interpretation guidelines (Richards et al. 2015 PMID: 25741868, with internal and published modifications).

NM_021942.6(TRAPPC11):c.2461G>A (p.Ala821Thr)

Genes: TRAPPC11 (trafficking protein particle complex subunit 11; plus strand), LOC126807238 (BRD4-independent group 4 enhancer GRCh37_chr4:184614366-184615565; plus strand). Cytogenetic location: 4q35.1.
Variant type: single nucleotide variant.
Coding change: c.2461G>A on transcript NM_021942.6 (MANE Select); coding-DNA position 2461, G replaced by A.
Protein change: p.Ala821Thr; replaces alanine 821 with threonine.
Molecular consequence: missense variant.
Genome position (GRCh38, 1-based): chr4:183,693,991, G>A. VCF-style: chr4-183693991-G-A. GRCh37 (hg19) VCF-style: chr4-184615144-G-A.
Other names: c.2461G>A, p.Ala821Thr (NM_199053.3); short protein forms A821T.
Identifiers: ClinVar variation 261449 (VCV000261449.23), dbSNP rs114471872, ClinGen allele CA3152199.
Genomic context (GRCh38, chr4:183,693,991, plus strand): 5'-TTAACTCAGAAGACTCACGTGACTCTTCATGGAACAGAACTGTGTGATGAATCCTACCCG[G>A]CTTTACTCACTGACATTCCTGTTGGAGACTTACATCCAGGGGAACAGGTAAACTTGGTCA-3'
Protein context (NP_068761.4, residues 811-831): GTELCDESYP[Ala821Thr]LLTDIPVGDL